The following is an entry in ClinVar:

ClinVar aggregate classification (germline): Uncertain significance (1 of 4 stars; one submission).

Conditions:
Immunodeficiency 35 (IMD35). Also called: Susceptibility to infection due to TYK2 deficiency; HYPER-IgE SYNDROME WITH ATYPICAL MYCOBACTERIOSIS, AUTOSOMAL RECESSIVE; TYK2 DEFICIENCY; HIES WITH ATYPICAL MYCOBACTERIOSIS, AUTOSOMAL RECESSIVE. Identifiers: Orphanet 331226, MedGen C1969086, MONDO:0012682, OMIM 611521.

Submission:

Labcorp Genetics (formerly Invitae), Labcorp
Classification: Uncertain significance for Immunodeficiency 35. Last evaluated: 2022-03-23. Review status: criteria provided, single submitter. Criteria: Invitae Variant Classification Sherloc (09022015). Collection method: clinical testing. Allele origin: germline.
Comment: This sequence change replaces proline, which is neutral and non-polar, with arginine, which is basic and polar, at codon 524 of the TYK2 protein (p.Pro524Arg). This variant is not present in population databases (gnomAD no frequency). This variant has not been reported in the literature in individuals affected with TYK2-related conditions. Algorithms developed to predict the effect of missense changes on protein structure and function are either unavailable or do not agree on the potential impact of this missense change (SIFT: "Not Available"; PolyPhen-2: "Benign"; Align-GVGD: "Not Available"). In summary, the available evidence is currently insufficient to determine the role of this variant in disease. Therefore, it has been classified as a Variant of Uncertain Significance.

NM_003331.5(TYK2):c.1571C>G (p.Pro524Arg)

Gene: TYK2 (tyrosine kinase 2; minus strand). Cytogenetic location: 19p13.2.
Variant type: single nucleotide variant.
Coding change: c.1571C>G on transcript NM_003331.5 (MANE Select); coding-DNA position 1571, C replaced by G.
Protein change: p.Pro524Arg; replaces proline 524 with arginine.
Molecular consequence: missense variant. On other transcripts: intron variant (1).
Genome position (GRCh38, 1-based): chr19:10,362,362, G>C on the plus strand (C>G on the coding strand, the complement: TYK2 is on the minus strand). VCF-style: chr19-10362362-G-C. GRCh37 (hg19) VCF-style: chr19-10473038-G-C.
Other names: c.1571C>G, p.Pro524Arg (NM_001385197.1, NM_001385198.1, NM_001385199.1 and 6 more transcripts); c.1373C>G, p.Pro458Arg (NM_001385201.1); c.1481C>G, p.Pro494Arg (NM_001385205.1); c.1477-32C>G (NM_001385206.1); short protein forms P494R, P458R, P524R.
Identifiers: ClinVar variation 2113863 (VCV002113863.4), dbSNP rs2041451639, ClinGen allele CA404006998.
Genomic context (GRCh38, chr19:10,362,362, plus strand): 5'-CAGTCATCCCCGGCCCTCAGCAAGCAGCCCTGCAAGGCAGCCCCAAGTTCCCGAACGCTG[G>C]GGAAGGACCGGCCCCAGCCCTCCAGCACGAAGGCCCCGTCCTGCTGCTCAATGGGGAACT-3'
Protein context (NP_003322.3, residues 514-534): FVLEGWGRSF[Pro524Arg]SVRELGAALQ